The following is an entry in ClinVar:

NM_004380.3(CREBBP):c.4281-6C>G

Gene: CREBBP (CREB binding lysine acetyltransferase; minus strand). Cytogenetic location: 16p13.3.
Variant type: single nucleotide variant.
Coding change: c.4281-6C>G on transcript NM_004380.3 (MANE Select); 6 bases into the intron before coding-DNA position 4281, C replaced by G.
Molecular consequence: intron variant.
Genome position (GRCh38, 1-based): chr16:3,738,678, G>C on the plus strand (C>G on the coding strand, the complement: CREBBP is on the minus strand). VCF-style: chr16-3738678-G-C. GRCh37 (hg19) VCF-style: chr16-3788679-G-C.
Other names: NC_000016.9:g.3788679G>C; c.4167-6C>G (NM_001079846.1); c.4281-6C>G (NM_004380.2).
Identifiers: ClinVar variation 4411805 (VCV004411805.2).
Genomic context (GRCh38, chr16:3,738,678, plus strand): 5'-GAGGCAACGTGGCCGGAAGAAATGAATACTATCCAGATAAGAAATGTACACACGCCTGTG[G>C]GAAGGAGGCACATGTTTAACTCAGGGTATCCCTCAAATCTGAAATCAAACACAAGCAACA-3'

ClinVar aggregate classification (germline): Uncertain significance (1 of 4 stars; one submission).

Conditions:
CREBBP-related disorder. Also called: CREBBP-related condition; CREBBP-related disorders.

Submissions (2):

PreventionGenetics, part of Exact Sciences
Classification: Uncertain significance for CREBBP-related condition. Last evaluated: 2026-02-20. Review status: criteria provided, single submitter. Criteria: ACMG Guidelines, 2015. Collection method: clinical testing. Allele origin: germline.
Comment: The CREBBP c.4281-6C>G variant is predicted to interfere with splicing. This variant is predicted to alter splicing based on available splicing prediction programs (SpliceAI, Jaganathan et al. 2019. PubMed ID: 30661751). However, the use of computer prediction programs is not equivalent to functional evidence. To our knowledge, this variant has not been reported in the literature or in a large population database (gnomAD), indicating this variant is rare. Although we suspect that this variant may be pathogenic, at this time, the clinical significance of this variant is uncertain due to the absence of conclusive functional and genetic evidence.

Dr. Peter K. Rogan Lab, Western University
No classification provided (evidence only). Condition: Ovarian serous cystadenocarcinoma. Review status: no classification provided. Collection method: in vitro. Allele origin: not applicable. Functional consequence: retained intron. Not counted in ClinVar's aggregate classification.